The following is an entry in ClinVar:

ClinVar aggregate classification (germline): Likely benign (1 of 4 stars; one submission).

Conditions:
APOA4-related disorder. Also called: APOA4-related condition.

Submission:

PreventionGenetics, part of Exact Sciences
Classification: Likely benign for APOA4-related condition. Last evaluated: 2024-10-16. Review status: criteria provided, single submitter. Criteria: ACMG Guidelines, 2015. Collection method: clinical testing. Allele origin: germline.
Comment: This variant is classified as likely benign based on ACMG/AMP sequence variant interpretation guidelines (Richards et al. 2015 PMID: 25741868, with internal and published modifications).

NM_000482.4(APOA4):c.1164G>A (p.Val388=)

Gene: APOA4 (apolipoprotein A4; minus strand). Cytogenetic location: 11q23.3.
Variant type: single nucleotide variant.
Coding change: c.1164G>A on transcript NM_000482.4 (MANE Select); coding-DNA position 1164, G replaced by A.
Protein change: p.Val388=; no amino-acid change (valine 388 retained).
Molecular consequence: synonymous variant.
Genome position (GRCh38, 1-based): chr11:116,820,894, C>T on the plus strand (G>A on the coding strand, the complement: APOA4 is on the minus strand). VCF-style: chr11-116820894-C-T. GRCh37 (hg19) VCF-style: chr11-116691610-C-T.
Identifiers: ClinVar variation 4981820 (VCV004981820.1).